The following is an entry in ClinVar:

NM_005560.6(LAMA5):c.918G>A (p.Ala306=)

Gene: LAMA5 (laminin subunit alpha 5; minus strand). Cytogenetic location: 20q13.33.
Variant type: single nucleotide variant.
Coding change: c.918G>A on transcript NM_005560.6 (MANE Select); coding-DNA position 918, G replaced by A.
Protein change: p.Ala306=; no amino-acid change (alanine 306 retained).
Molecular consequence: synonymous variant.
Genome position (GRCh38, 1-based): chr20:62,351,742, C>T on the plus strand (G>A on the coding strand, the complement: LAMA5 is on the minus strand). VCF-style: chr20-62351742-C-T. GRCh37 (hg19) VCF-style: chr20-60926798-C-T.
Other names: c.918G>A (NM_005560.4).
Identifiers: ClinVar variation 1597970 (VCV001597970.9), dbSNP rs778754196, ClinGen allele CA9944222.
Genomic context (GRCh38, chr20:62,351,742, plus strand): 5'-CCTCACCTGAATGGGGCCTCACCTGAACGGGTCCGTGGGGTCTTTGGCATCGCAGGCATC[C>T]GCGTGGCCGTGGCAGACACAGCGGCCTCCGATGCTGATATCCTTGATGCTGTAATAATAC-3'
Protein context (NP_005551.3, residues 296-316): IGGRCVCHGH[Ala306=]DACDAKDPTD

ClinVar aggregate classification (germline): Likely benign. Review status: criteria provided, multiple submitters, no conflicts (2 of 4 stars). 2 submissions from 2 submitters: Likely benign (2). Last evaluated 2026-05-12.

Conditions:
LAMA5-related disorder. Also called: LAMA5-related condition; LAMA5-Related Disorders.

Allele frequency attached by ClinVar (database versions not stated): ExAC 0.00002; gnomAD exomes 0.00004 and 0.00008; TOPMed 0.00015; gnomAD 0.00017 and 0.00019.
gnomAD v4.1: 82 of 1,611,858 alleles (0.0051%); highest among the groups gnomAD compares: Admixed American, 0.04%; 1 homozygote.

Submissions (2):

PreventionGenetics, part of Exact Sciences
Classification: Likely benign for LAMA5-related condition. Last evaluated: 2026-05-12. Review status: criteria provided, single submitter. Criteria: ACMG Guidelines, 2015. Collection method: clinical testing. Allele origin: germline.
Comment: This variant is classified as likely benign based on ACMG/AMP sequence variant interpretation guidelines (Richards et al. 2015 PMID: 25741868, with internal and published modifications).

Labcorp Genetics (formerly Invitae), Labcorp
Classification: Likely benign. Last evaluated: 2025-03-17. Review status: criteria provided, single submitter. Criteria: Invitae Variant Classification Sherloc (09022015). Collection method: clinical testing. Allele origin: germline.